The following is an entry in ClinVar:

NM_002439.5(MSH3):c.1636G>C (p.Glu546Gln)

Gene: MSH3 (mutS homolog 3; plus strand). Cytogenetic location: 5q14.1.
Variant type: single nucleotide variant.
Coding change: c.1636G>C on transcript NM_002439.5 (MANE Select); coding-DNA position 1636, G replaced by C.
Protein change: p.Glu546Gln; replaces glutamic acid 546 with glutamine.
Molecular consequence: missense variant.
Genome position (GRCh38, 1-based): chr5:80,741,531, G>C. VCF-style: chr5-80741531-G-C. GRCh37 (hg19) VCF-style: chr5-80037350-G-C.
Other names: short protein forms E546Q.
Identifiers: ClinVar variation 1482307 (VCV001482307.8), dbSNP rs2112866845, ClinGen allele CA360274563.

ClinVar aggregate classification (germline): Uncertain significance. Review status: criteria provided, multiple submitters, no conflicts (2 of 4 stars). 2 submissions from 2 submitters: Uncertain significance (2). Last evaluated 2025-07-21.

Conditions:
Hereditary cancer-predisposing syndrome. Also called: Tumor predisposition; Hereditary Cancer Syndrome; Hereditary neoplastic syndrome; Neoplastic Syndromes, Hereditary. Identifiers: Orphanet 140162, MedGen C0027672, MeSH D009386, MONDO:0015356.

Submissions (2):

Labcorp Genetics (formerly Invitae), Labcorp
Classification: Uncertain significance. Last evaluated: 2025-07-21. Review status: criteria provided, single submitter. Criteria: Invitae Variant Classification Sherloc (09022015). Collection method: clinical testing. Allele origin: germline.
Comment: This sequence change replaces glutamic acid, which is acidic and polar, with glutamine, which is neutral and polar, at codon 546 of the MSH3 protein (p.Glu546Gln). This variant is not present in population databases (gnomAD no frequency). This variant has not been reported in the literature in individuals affected with MSH3-related conditions. ClinVar contains an entry for this variant (Variation ID: 1482307). An algorithm developed to predict the effect of missense changes on protein structure and function (PolyPhen-2) suggests that this variant is likely to be disruptive. In summary, the available evidence is currently insufficient to determine the role of this variant in disease. Therefore, it has been classified as a Variant of Uncertain Significance.

Ambry Genetics
Classification: Uncertain significance for Hereditary cancer-predisposing syndrome. Last evaluated: 2021-07-09. Review status: criteria provided, single submitter. Criteria: Ambry Variant Classification Scheme 2023. Collection method: clinical testing. Allele origin: germline.
Comment: The p.E546Q variant (also known as c.1636G>C), located in coding exon 11 of the MSH3 gene, results from a G to C substitution at nucleotide position 1636. The glutamic acid at codon 546 is replaced by glutamine, an amino acid with highly similar properties. This amino acid position is conserved. In addition, this alteration is predicted to be deleterious by in silico analysis. Since supporting evidence is limited at this time, the clinical significance of this alteration remains unclear.